The following is an entry in ClinVar:

NM_013339.4(ALG6):c.237T>G (p.His79Gln)

Gene: ALG6 (ALG6 alpha-1,3-glucosyltransferase; plus strand). Cytogenetic location: 1p31.3.
Variant type: single nucleotide variant.
Coding change: c.237T>G on transcript NM_013339.4 (MANE Select); coding-DNA position 237, T replaced by G.
Protein change: p.His79Gln; replaces histidine 79 with glutamine.
Molecular consequence: missense variant.
Genome position (GRCh38, 1-based): chr1:63,402,323, T>G. VCF-style: chr1-63402323-T-G. GRCh37 (hg19) VCF-style: chr1-63867994-T-G.
Other names: short protein forms H79Q.
Identifiers: ClinVar variation 1410476 (VCV001410476.3), dbSNP rs747184607, ClinGen allele CA888103.

ClinVar aggregate classification (germline): Uncertain significance (1 of 4 stars; one submission).

Conditions:
ALG6-congenital disorder of glycosylation 1C (CDG1C). Also called: CARBOHYDRATE-DEFICIENT GLYCOPROTEIN SYNDROME, TYPE I, WITH DEFICIENT GLYCOSYLATION OF DOLICHOL-LINKED OLIGOSACCHARIDE; CARBOHYDRATE-DEFICIENT GLYCOPROTEIN SYNDROME, TYPE V; Congenital disorder of glycosylation type 1C; Congenital disorder of glycosylation, type Ic; CDG Ic. Identifiers: Orphanet 79320, MedGen C2930997, MONDO:0011291, OMIM 603147.

Allele frequency attached by ClinVar (database versions not stated): gnomAD 0.00001 and 0.00002; TOPMed 0.00001; ExAC 0.00002; gnomAD exomes 0.00002.
gnomAD v4.1: 35 of 1,610,084 alleles (0.0022%); highest among the groups gnomAD compares: Non-Finnish European, 0.003%; no homozygotes.

Submission:

Labcorp Genetics (formerly Invitae), Labcorp
Classification: Uncertain significance for ALG6-congenital disorder of glycosylation 1C. Last evaluated: 2022-01-13. Review status: criteria provided, single submitter. Criteria: Invitae Variant Classification Sherloc (09022015). Collection method: clinical testing. Allele origin: germline.
Comment: This sequence change replaces histidine, which is basic and polar, with glutamine, which is neutral and polar, at codon 79 of the ALG6 protein (p.His79Gln). This variant is present in population databases (rs747184607, gnomAD 0.004%). This variant has not been reported in the literature in individuals affected with ALG6-related conditions. Algorithms developed to predict the effect of missense changes on protein structure and function are either unavailable or do not agree on the potential impact of this missense change (SIFT: "Deleterious"; PolyPhen-2: "Probably Damaging"; Align-GVGD: "Class C15"). In summary, the available evidence is currently insufficient to determine the role of this variant in disease. Therefore, it has been classified as a Variant of Uncertain Significance.